The following is an entry in ClinVar:

NM_001077620.3(PRCD):c.70C>T (p.Gln24Ter)

Genes: CYGB (cytoglobin; minus strand), PRCD (photoreceptor disc component; plus strand). Cytogenetic location: 17q25.1.
Variant type: single nucleotide variant.
Coding change: c.70C>T on transcript NM_001077620.3 (MANE Select); coding-DNA position 70, C replaced by T.
Protein change: p.Gln24Ter; replaces glutamine 24 with a stop codon.
Molecular consequence: nonsense.
Genome position (GRCh38, 1-based): chr17:76,540,211, C>T. VCF-style: chr17-76540211-C-T. GRCh37 (hg19) VCF-style: chr17-74536293-C-T.
Other names: short protein forms Q24*.
Identifiers: ClinVar variation 1379691 (VCV001379691.6), dbSNP rs2143140372, ClinGen allele CA401181024.

ClinVar aggregate classification (germline): Pathogenic (1 of 4 stars; one submission).

Allele frequency attached by ClinVar (database versions not stated): gnomAD exomes below 0.00001.
gnomAD v4.1: 1 of 1,588,076 alleles (0.000063%); highest among the groups gnomAD compares: Non-Finnish European, 0.000085%; no homozygotes.

Submission:

Labcorp Genetics (formerly Invitae), Labcorp
Classification: Pathogenic. Last evaluated: 2023-07-17. Review status: criteria provided, single submitter. Criteria: Invitae Variant Classification Sherloc (09022015). Collection method: clinical testing. Allele origin: germline.
Comment: For these reasons, this variant has been classified as Pathogenic. ClinVar contains an entry for this variant (Variation ID: 1379691). This premature translational stop signal has been observed in individual(s) with retinitis pigmentosa (PMID: 28181551). This variant is not present in population databases (gnomAD no frequency). This sequence change creates a premature translational stop signal (p.Gln24*) in the PRCD gene. It is expected to result in an absent or disrupted protein product. Loss-of-function variants in PRCD are known to be pathogenic (PMID: 16938425, 20507925, 23805042, 28181551).

Literature cited by the submitters: PubMed 28181551; PubMed 16938425; PubMed 20507925; PubMed 23805042.